The following is an entry in ClinVar:

ClinVar aggregate classification (germline): Uncertain significance. Review status: criteria provided, multiple submitters, no conflicts (2 of 4 stars). 2 submissions from 2 submitters: Uncertain significance (2). Last evaluated 2022-04-29.

Conditions:
Cardiovascular phenotype. Identifiers: MedGen CN230736.

Allele frequency attached by ClinVar (database versions not stated): gnomAD 0.00001; gnomAD exomes 0.00001.

Submissions (2):

Ambry Genetics
Classification: Uncertain significance for Cardiovascular phenotype. Last evaluated: 2022-04-29. Review status: criteria provided, single submitter. Criteria: Ambry Variant Classification Scheme 2023. Collection method: clinical testing. Allele origin: germline.
Comment: The p.G2004D variant (also known as c.6011G>A), located in coding exon 2 of the ZNF469 gene, results from a G to A substitution at nucleotide position 6011. The glycine at codon 2004 is replaced by aspartic acid, an amino acid with similar properties. This amino acid position is conserved. In addition, this alteration is predicted to be tolerated by in silico analysis. Since supporting evidence is limited at this time, the clinical significance of this alteration remains unclear.

Labcorp Genetics (formerly Invitae), Labcorp
Classification: Uncertain significance. Last evaluated: 2021-11-27. Review status: criteria provided, single submitter. Criteria: Invitae Variant Classification Sherloc (09022015). Collection method: clinical testing. Allele origin: germline.
Comment: This sequence change replaces glycine, which is neutral and non-polar, with aspartic acid, which is acidic and polar, at codon 2004 of the ZNF469 protein (p.Gly2004Asp). This variant is present in population databases (no rsID available, gnomAD 0.007%). This variant has not been reported in the literature in individuals affected with ZNF469-related conditions. Algorithms developed to predict the effect of missense changes on protein structure and function output the following: SIFT: "Tolerated"; PolyPhen-2: "Possibly Damaging"; Align-GVGD: "Class C0". The aspartic acid amino acid residue is found in multiple mammalian species, which suggests that this missense change does not adversely affect protein function. In summary, the available evidence is currently insufficient to determine the role of this variant in disease. Therefore, it has been classified as a Variant of Uncertain Significance.

NM_001367624.2(ZNF469):c.6095G>A (p.Gly2032Asp)

Gene: ZNF469 (zinc finger protein 469; plus strand). Cytogenetic location: 16q24.2.
Variant type: single nucleotide variant.
Coding change: c.6095G>A on transcript NM_001367624.2 (MANE Select); coding-DNA position 6095, G replaced by A.
Protein change: p.Gly2032Asp; replaces glycine 2032 with aspartic acid.
Molecular consequence: missense variant.
Genome position (GRCh38, 1-based): chr16:88,433,565, G>A. VCF-style: chr16-88433565-G-A. GRCh37 (hg19) VCF-style: chr16-88499973-G-A.
Other names: NM_001127464.1:c.6011G>A; short protein forms G2032D.
Identifiers: ClinVar variation 1483350 (VCV001483350.5), dbSNP rs1363498031, ClinGen allele CA397103887.